The following is an entry in ClinVar:

ClinVar aggregate classification (germline): Likely pathogenic (1 of 4 stars; one submission).

gnomAD v4.1: 1 of 1,613,860 alleles (0.000062%); highest among the groups gnomAD compares: Non-Finnish European, 0.000085%; no homozygotes.

Submission:

Dasa
Classification: Likely pathogenic. Last evaluated: 2025-02-20. Review status: criteria provided, single submitter. Criteria: DASA Assertion Criteria. Collection method: clinical testing. Allele origin: germline.
Comment: NM_017415.3(KLHL3):c.1219+1G>C affects a canonical splice site and is predicted to disrupt normal RNA splicing. Loss of function is an established disease mechanism for KLHL3-associated disorders. Also, this variant is rare in population databases. Based on the currently available evidence, this variant is classified as likely pathogenic.

NM_017415.3(KLHL3):c.1219+1G>C

Gene: KLHL3 (kelch like family member 3; minus strand). Cytogenetic location: 5q31.2.
Variant type: single nucleotide variant.
Coding change: c.1219+1G>C on transcript NM_017415.3 (MANE Select); the canonical splice donor site of the intron after coding-DNA position 1219, G replaced by C.
Molecular consequence: splice donor variant.
Genome position (GRCh38, 1-based): chr5:137,638,952, C>G on the plus strand (G>C on the coding strand, the complement: KLHL3 is on the minus strand). VCF-style: chr5-137638952-C-G. GRCh37 (hg19) VCF-style: chr5-136974641-C-G.
Other names: c.1123+1G>C (NM_001257194.1); c.973+1G>C (NM_001257195.2).
Identifiers: ClinVar variation 4880805 (VCV004880805.2).